The following is an entry in ClinVar:

NM_153766.3(KCNJ1):c.578G>C (p.Arg193Pro)

Gene: KCNJ1 (potassium inwardly rectifying channel subfamily J member 1; minus strand). Cytogenetic location: 11q24.3.
Variant type: single nucleotide variant.
Coding change: c.578G>C on transcript NM_153766.3 (MANE Select); coding-DNA position 578, G replaced by C.
Protein change: p.Arg193Pro; replaces arginine 193 with proline.
Molecular consequence: missense variant.
Genome position (GRCh38, 1-based): chr11:128,839,666, C>G on the plus strand (G>C on the coding strand, the complement: KCNJ1 is on the minus strand). VCF-style: chr11-128839666-C-G. GRCh37 (hg19) VCF-style: chr11-128709561-C-G.
Other names: c.635G>C, p.Arg212Pro (NM_000220.6); c.578G>C, p.Arg193Pro (NM_153764.3, NM_153767.4); c.629G>C, p.Arg210Pro (NM_153765.3); short protein forms R193P, R212P, R210P.
Identifiers: ClinVar variation 845433 (VCV000845433.8), dbSNP rs150299230, ClinGen allele CA230628472.
Genomic context (GRCh38, chr11:128,839,666, plus strand): 5'-TTCAGAAGCTTTCCATAAATGTGACTGCCAATAAGAAGGCTCTTCCTGAGATTAGCCACT[C>G]GGATTAGGAGGCAAAGCTTCCCTCCCCGTTTGCTGATCACTGCGTTCTTGCTGAACGTAA-3'
Protein context (NP_722450.1, residues 183-203): KRGGKLCLLI[Arg193Pro]VANLRKSLLI

ClinVar aggregate classification (germline): Uncertain significance. Review status: criteria provided, multiple submitters, no conflicts (2 of 4 stars). 2 submissions from 2 submitters: Uncertain significance (2). Last evaluated 2022-03-25.

Conditions:
Bartter disease type 2. Also called: Bartter syndrome, type 2, antenatal; HYPOKALEMIC ALKALOSIS WITH HYPERCALCIURIA 2, ANTENATAL; HYPERPROSTAGLANDIN E SYNDROME 2. Identifiers: Orphanet 112, Orphanet 620220, MedGen C1855849, MONDO:0009424, OMIM 241200.

Allele frequency attached by ClinVar (database versions not stated): TOPMed 0.00005.
gnomAD v4.1: 7 of 1,613,342 alleles (0.00043%); highest among the groups gnomAD compares: African/African-American, 0.0027%; no homozygotes.

Submissions (2):

Fulgent Genetics
Classification: Uncertain significance for Bartter disease type 2. Last evaluated: 2022-03-25. Review status: criteria provided, single submitter. Criteria: ACMG Guidelines, 2015. Collection method: clinical testing. Allele origin: unknown.

Labcorp Genetics (formerly Invitae), Labcorp
Classification: Uncertain significance. Last evaluated: 2021-12-28. Review status: criteria provided, single submitter. Criteria: Invitae Variant Classification Sherloc (09022015). Collection method: clinical testing. Allele origin: germline.
Comment: This sequence change replaces arginine, which is basic and polar, with proline, which is neutral and non-polar, at codon 212 of the KCNJ1 protein (p.Arg212Pro). This variant is present in population databases (no rsID available, gnomAD 0.002%). This variant has not been reported in the literature in individuals affected with KCNJ1-related conditions. ClinVar contains an entry for this variant (Variation ID: 845433). Algorithms developed to predict the effect of missense changes on protein structure and function are either unavailable or do not agree on the potential impact of this missense change (SIFT: "Deleterious"; PolyPhen-2: "Probably Damaging"; Align-GVGD: "Class C0"). Experimental studies have shown that this missense change affects KCNJ1 function (PMID: 28630040). In summary, the available evidence is currently insufficient to determine the role of this variant in disease. Therefore, it has been classified as a Variant of Uncertain Significance.

Literature cited by the submitters: PubMed 28630040 (cited by Labcorp Genetics (formerly Invitae), Labcorp).